The following is an entry in ClinVar:

ClinVar aggregate classification (germline): Uncertain significance. Review status: criteria provided, multiple submitters, no conflicts (2 of 4 stars). 2 submissions from 2 submitters: Uncertain significance (2). Last evaluated 2026-01-27.

Conditions:
Inborn genetic diseases. Identifiers: MedGen C0950123, MeSH D030342.

Allele frequency attached by ClinVar (database versions not stated): ExAC 0.00001; gnomAD 0.00002; TOPMed 0.00002.

Submissions (2):

Labcorp Genetics (formerly Invitae), Labcorp
Classification: Uncertain significance. Last evaluated: 2026-01-27. Review status: criteria provided, single submitter. Criteria: Invitae Variant Classification Sherloc (09022015). Collection method: clinical testing. Allele origin: germline.
Comment: This sequence change replaces arginine, which is basic and polar, with tryptophan, which is neutral and slightly polar, at codon 404 of the NLRP1 protein (p.Arg404Trp). This variant is present in population databases (rs747030614, gnomAD 0.002%). This variant has not been reported in the literature in individuals affected with NLRP1-related conditions. ClinVar contains an entry for this variant (Variation ID: 2912053). An algorithm developed to predict the effect of missense changes on protein structure and function (PolyPhen-2) suggests that this variant is likely to be disruptive. In summary, the available evidence is currently insufficient to determine the role of this variant in disease. Therefore, it has been classified as a Variant of Uncertain Significance.

Ambry Genetics
Classification: Uncertain significance for Inborn genetic diseases. Last evaluated: 2025-05-20. Review status: criteria provided, single submitter. Criteria: Ambry Variant Classification Scheme 2023. Collection method: clinical testing. Allele origin: germline.

NM_033004.4(NLRP1):c.1210C>T (p.Arg404Trp)

Gene: NLRP1 (NLR family pyrin domain containing 1; minus strand). Cytogenetic location: 17p13.2.
Variant type: single nucleotide variant.
Coding change: c.1210C>T on transcript NM_033004.4 (MANE Select); coding-DNA position 1210, C replaced by T.
Protein change: p.Arg404Trp; replaces arginine 404 with tryptophan.
Molecular consequence: missense variant.
Genome position (GRCh38, 1-based): chr17:5,559,486, G>A on the plus strand (C>T on the coding strand, the complement: NLRP1 is on the minus strand). VCF-style: chr17-5559486-G-A. GRCh37 (hg19) VCF-style: chr17-5462806-G-A.
Other names: c.1210C>T, p.Arg404Trp (NM_001033053.3, NM_014922.5, NM_033006.4 and 1 more transcripts); c.1210C>T (NM_033004.3); short protein forms R404W.
Identifiers: ClinVar variation 2912053 (VCV002912053.4), dbSNP rs747030614, ClinGen allele CA8327403.